The following is an entry in ClinVar:

NM_002691.4(POLD1):c.2649C>A (p.Ile883=)

Gene: POLD1 (DNA polymerase delta 1, catalytic subunit; plus strand). Cytogenetic location: 19q13.33.
Variant type: single nucleotide variant.
Coding change: c.2649C>A on transcript NM_002691.4 (MANE Select); coding-DNA position 2649, C replaced by A.
Protein change: p.Ile883=; no amino-acid change (isoleucine 883 retained).
Molecular consequence: synonymous variant. On other transcripts: non-coding transcript variant (1).
Genome position (GRCh38, 1-based): chr19:50,415,522, C>A. VCF-style: chr19-50415522-C-A. GRCh37 (hg19) VCF-style: chr19-50918779-C-A.
Other names: c.2649C>A (NM_002691.2, NM_002691.3); c.2649C>A, p.Ile883= (NM_001256849.1); c.2727C>A, p.Ile909= (NM_001308632.1).
Identifiers: ClinVar variation 1115948 (VCV001115948.11), dbSNP rs957717522, ClinGen allele CA309605046.
Genomic context (GRCh38, chr19:50,415,522, plus strand): 5'-CGCACAGGACGTCATCTCGGACCTGCTGTGCAACCGCATCGATATCTCCCAGCTGGTCAT[C>A]ACCAAGGAGCTGACCCGCGCGGCCTCCGACTATGCCGGCAAGCAGGCCCACGTGGAGCTG-3'
Protein context (NP_002682.2, residues 873-893): CNRIDISQLV[Ile883=]TKELTRAASD

ClinVar aggregate classification (germline): Likely benign. Review status: criteria provided, multiple submitters, no conflicts (2 of 4 stars). 3 submissions from 3 submitters: Likely benign (3). Last evaluated 2026-02-01.

Conditions:
POLD1-related polyposis and colorectal cancer syndrome (CRCS10). Also called: Colorectal cancer, susceptibility to, 10; Colorectal cancer 10; COLORECTAL CANCER, SUSCEPTIBILITY TO, ON CHROMOSOME 19q. Identifiers: Orphanet 220460, MedGen C2675481, MONDO:0012953, OMIM 612591.
POLD1-related disorder. Also called: POLD1-related disorders; POLD1-related condition.
Hereditary cancer-predisposing syndrome. Also called: Hereditary neoplastic syndrome; Neoplastic Syndromes, Hereditary; Tumor predisposition; Hereditary Cancer Syndrome. Identifiers: Orphanet 140162, MedGen C0027672, MeSH D009386, MONDO:0015356.

Submissions (3):

Ambry Genetics
Classification: Likely benign for Hereditary cancer-predisposing syndrome. Last evaluated: 2026-02-01. Review status: criteria provided, single submitter. Criteria: Ambry Variant Classification Scheme 2023. Collection method: clinical testing. Allele origin: germline.

Labcorp Genetics (formerly Invitae), Labcorp
Classification: Likely benign for POLD1-related polyposis and colorectal cancer syndrome. Last evaluated: 2025-04-23. Review status: criteria provided, single submitter. Criteria: Invitae Variant Classification Sherloc (09022015). Collection method: clinical testing. Allele origin: germline.

PreventionGenetics, part of Exact Sciences
Classification: Likely benign for POLD1-related condition. Last evaluated: 2025-03-13. Review status: criteria provided, single submitter. Criteria: ACMG Guidelines, 2015. Collection method: clinical testing. Allele origin: germline.
Comment: This variant is classified as likely benign based on ACMG/AMP sequence variant interpretation guidelines (Richards et al. 2015 PMID: 25741868, with internal and published modifications).